The following is an entry in ClinVar:

NM_006514.4(SCN10A):c.5186C>T (p.Thr1729Met)

Gene: SCN10A (sodium voltage-gated channel alpha subunit 10; minus strand). Cytogenetic location: 3p22.2.
Variant type: single nucleotide variant.
Coding change: c.5186C>T on transcript NM_006514.4 (MANE Select); coding-DNA position 5186, C replaced by T.
Protein change: p.Thr1729Met; replaces threonine 1729 with methionine.
Molecular consequence: missense variant.
Genome position (GRCh38, 1-based): chr3:38,698,034, G>A on the plus strand (C>T on the coding strand, the complement: SCN10A is on the minus strand). VCF-style: chr3-38698034-G-A. GRCh37 (hg19) VCF-style: chr3-38739525-G-A.
Other names: c.5183C>T, p.Thr1728Met (NM_001293306.2); c.4892C>T, p.Thr1631Met (NM_001293307.2); short protein forms T1728M, T1631M, T1729M.
Identifiers: ClinVar variation 1045676 (VCV001045676.11), dbSNP rs751384151, ClinGen allele CA2319725.

ClinVar aggregate classification (germline): Uncertain significance. Review status: criteria provided, multiple submitters, no conflicts (2 of 4 stars). 3 submissions from 3 submitters: Uncertain significance (3). Last evaluated 2025-12-11.

Conditions:
Cardiovascular phenotype. Identifiers: MedGen CN230736.
Brugada syndrome. Also called: Sudden Unexplained Death Syndrome; Sudden Unexplained Nocturnal Death Syndrome (SUNDS); Sudden unexplained nocturnal death syndrome; Sudden unexpected nocturnal death syndrome. Identifiers: Orphanet 130, MedGen C1142166, MONDO:0015263.

Allele frequency attached by ClinVar (database versions not stated): gnomAD 0.00001; gnomAD exomes 0.00001; ExAC 0.00002; TOPMed 0.00002.
gnomAD v4.1: 49 of 1,614,124 alleles (0.003%); highest among the groups gnomAD compares: Non-Finnish European, 0.0037%; no homozygotes.

Submissions (3):

Ambry Genetics
Classification: Uncertain significance for Cardiovascular phenotype. Last evaluated: 2025-12-11. Review status: criteria provided, single submitter. Criteria: Ambry Variant Classification Scheme 2023. Collection method: clinical testing. Allele origin: germline.
Comment: The p.T1729M variant (also known as c.5186C>T), located in coding exon 27 of the SCN10A gene, results from a C to T substitution at nucleotide position 5186. The threonine at codon 1729 is replaced by methionine, an amino acid with similar properties. This amino acid position is conserved. In addition, this alteration is predicted to be deleterious by in silico analysis. Since supporting evidence is limited at this time, the clinical significance of this alteration remains unclear.

Labcorp Genetics (formerly Invitae), Labcorp
Classification: Uncertain significance for Brugada syndrome. Last evaluated: 2025-09-26. Review status: criteria provided, single submitter. Criteria: Invitae Variant Classification Sherloc (09022015). Collection method: clinical testing. Allele origin: germline.
Comment: This sequence change replaces threonine, which is neutral and polar, with methionine, which is neutral and non-polar, at codon 1729 of the SCN10A protein (p.Thr1729Met). This variant is present in population databases (rs751384151, gnomAD 0.002%). This variant has not been reported in the literature in individuals affected with SCN10A-related conditions. ClinVar contains an entry for this variant (Variation ID: 1045676). Invitae Evidence Modeling of protein sequence and biophysical properties (such as structural, functional, and spatial information, amino acid conservation, physicochemical variation, residue mobility, and thermodynamic stability) indicates that this missense variant is expected to disrupt SCN10A protein function with a positive predictive value of 80%. In summary, the available evidence is currently insufficient to determine the role of this variant in disease. Therefore, it has been classified as a Variant of Uncertain Significance.

Institute for Clinical Genetics, University Hospital TU Dresden, University Hospital TU Dresden
Classification: Uncertain significance. Last evaluated: 2021-11-03. Review status: criteria provided, single submitter. Criteria: ACMG Guidelines, 2015. Collection method: clinical testing. Allele origin: germline.